The following is an entry in ClinVar:

NM_152564.5(VPS13B):c.5220G>T (p.Glu1740Asp)

Gene: VPS13B (vacuolar protein sorting 13 homolog B; plus strand). Cytogenetic location: 8q22.2.
Variant type: single nucleotide variant.
Coding change: c.5220G>T on transcript NM_152564.5 (MANE Select); coding-DNA position 5220, G replaced by T.
Protein change: p.Glu1740Asp; replaces glutamic acid 1740 with aspartic acid.
Molecular consequence: missense variant.
Genome position (GRCh38, 1-based): chr8:99,577,633, G>T. VCF-style: chr8-99577633-G-T. GRCh37 (hg19) VCF-style: chr8-100589861-G-T.
Other names: c.5295G>T (NM_017890.4); c.5295G>T, p.Glu1765Asp (NM_017890.5); c.5220G>T (NM_152564.4); short protein forms E1740D, E1765D.
Identifiers: ClinVar variation 802428 (VCV000802428.15), dbSNP rs780598553, ClinGen allele CA4823774.

ClinVar aggregate classification (germline): Conflicting classifications of pathogenicity. Review status: criteria provided, conflicting classifications (1 of 4 stars). 8 submissions from 8 submitters: Pathogenic (1); Likely pathogenic (1); Uncertain significance (6). Last evaluated 2025-06-23.

Conditions:
VPS13B-related disorder. Also called: VPS13B-related condition.
Cohen syndrome (COH1). Also called: PEPPER SYNDROME; Cutis verticis gyrata, retinitis pigmentosa, and sensorineural deafness. Identifiers: Orphanet 193, MedGen C0265223, MONDO:0008999, OMIM 216550.

Allele frequency attached by ClinVar (database versions not stated): gnomAD exomes below 0.00001; ExAC 0.00001; gnomAD 0.00001; TOPMed 0.00002.
gnomAD v4.1: 7 of 1,613,230 alleles (0.00043%); highest among the groups gnomAD compares: African/African-American, 0.0053%; no homozygotes.

Submissions (9):

PreventionGenetics, part of Exact Sciences
Classification: Uncertain significance for VPS13B-related condition. Last evaluated: 2025-06-23. Review status: criteria provided, single submitter. Criteria: ACMG Guidelines, 2015. Collection method: clinical testing. Allele origin: germline.
Comment: The VPS13B c.5220G>T variant is predicted to result in the amino acid substitution p.Glu1740Asp. In an alternate transcript (NM_017890), this variant is also known as c.5295G>T (p.Glu1765Asp). This variant occurs at the last nucleotide position of exon 33 and is predicted to interfere with splicing based on a splicing prediction program (SpliceAI, Jaganathan K, et al. 2019. PubMed ID: 30661751). This variant has been reported in the homozygous state in an individual with Cohen syndrome (Family 702 in Dixon-Salazar et al. 2012. PubMed ID: 22700954; Supplementary Table 1 in Issa et al. 2020. PubMed ID: 32404165). This variant is reported in 0.0062% of alleles in individuals of African descent in gnomAD. Although we suspect that this variant may be pathogenic, at this time, the clinical significance of this variant is uncertain due to the absence of conclusive functional and genetic evidence.

Women's Health and Genetics/Laboratory Corporation of America, LabCorp
Classification: Uncertain significance. Last evaluated: 2024-03-12. Review status: criteria provided, single submitter. Criteria: LabCorp Variant Classification Summary - May 2015. Collection method: clinical testing. Allele origin: germline.
Comment: Variant summary: VPS13B c.5295G>T (p.Glu1765Asp) results in a conservative amino acid change of the encoded protein in the last nucleotide of exon 33 adjacent to the exon 33 / intron 33 splice donor site. Three of five in-silico tools predict a damaging effect of the variant on protein function. Several computational tools predict a significant impact on normal splicing: Four predict the variant abolishes or weakens a 5' splicing donor site. However, these predictions have yet to be confirmed by functional studies. The variant allele was found at a frequency of 4e-06 in 250934 control chromosomes. The available data on variant occurrences in the general population are insufficient to allow any conclusion about variant significance. c.5295G>T has been reported in the literature in multiple individuals in a large consanguineous family affected with Cohen Syndrome with unspecified genotypes (e.g. Dixon-Salazar_2015). This report does not provide unequivocal conclusions about association of the variant with Cohen Syndrome. To our knowledge, no experimental evidence demonstrating an impact on protein function has been reported. The following publication has been ascertained in the context of this evaluation (PMID: 22700954). ClinVar contains an entry for this variant (Variation ID: 802428). Based on the evidence outlined above, the variant was classified as VUS-possibly pathogenic.

New York Genome Center
Classification: Uncertain significance for Cohen syndrome. Last evaluated: 2023-01-03. Review status: criteria provided, single submitter. Criteria: NYGC Assertion Criteria 2020. Collection method: clinical testing. Allele origin: germline. Observed: 1 heterozygote.

Labcorp Genetics (formerly Invitae), Labcorp
Classification: Uncertain significance for Cohen syndrome. Last evaluated: 2022-08-20. Review status: criteria provided, single submitter. Criteria: Invitae Variant Classification Sherloc (09022015). Collection method: clinical testing. Allele origin: germline.
Comment: This sequence change replaces glutamic acid, which is acidic and polar, with aspartic acid, which is acidic and polar, at codon 1765 of the VPS13B protein (p.Glu1765Asp). This variant also falls at the last nucleotide of exon 33, which is part of the consensus splice site for this exon. This variant is present in population databases (rs780598553, gnomAD 0.007%). This missense change has been observed in individual(s) with clinical features of Cohen syndrome (PMID: 22700954). ClinVar contains an entry for this variant (Variation ID: 802428). Algorithms developed to predict the effect of missense changes on protein structure and function are either unavailable or do not agree on the potential impact of this missense change (SIFT: "Not Available"; PolyPhen-2: "Possibly Damaging"; Align-GVGD: "Not Available"). Variants that disrupt the consensus splice site are a relatively common cause of aberrant splicing (PMID: 17576681, 9536098). Algorithms developed to predict the effect of sequence changes on RNA splicing suggest that this variant may disrupt the consensus splice site. In summary, the available evidence is currently insufficient to determine the role of this variant in disease. Therefore, it has been classified as a Variant of Uncertain Significance.

Blueprint Genetics
Classification: Uncertain significance. Last evaluated: 2022-04-07. Review status: criteria provided, single submitter. Criteria: ACMG Guidelines, 2015. Collection method: clinical testing. Allele origin: germline.

Revvity Omics, Revvity
Classification: Likely pathogenic for Cohen syndrome. Last evaluated: 2022-01-07. Review status: criteria provided, single submitter. Criteria: ACMG Guidelines, 2015. Collection method: clinical testing. Allele origin: germline.

Myriad Genetics, Inc.
Classification: Uncertain significance for Cohen syndrome. Last evaluated: 2021-11-08. Review status: criteria provided, single submitter. Criteria: Myriad Women's Health Autosomal Recessive and X-Linked Classification Criteria (2021). Collection method: clinical testing. Allele origin: unknown.
Comment: NM_017890.4(VPS13B):c.5295G>T(E1765D) is a missense variant classified as a variant of uncertain significance in the context of Cohen syndrome. E1765D been observed in cases with relevant disease (PMID: 22700954). Functional assessments of this variant are not available in the literature. E1765D has been observed in population frequency databases (gnomAD: AFR 0.01%). In summary, there is insufficient evidence to classify NM_017890.4(VPS13B):c.5295G>T(E1765D) as pathogenic or benign. Please note: this variant was assessed in the context of healthy population screening.

Mendelics
Classification: Pathogenic for Cohen syndrome. Last evaluated: 2019-05-28. Review status: criteria provided, single submitter. Criteria: Mendelics Assertion Criteria 2017. Collection method: clinical testing. Allele origin: unknown.

Dr. Peter K. Rogan Lab, Western University
No classification provided (evidence only). Condition: Gastric cancer. Review status: no classification provided. Collection method: in vitro. Allele origin: not applicable. Functional consequence: retained intron. Not counted in ClinVar's aggregate classification.

Literature cited by the submitters: PubMed 22700954 (cited by 3 submitters); PubMed 17576681 (cited by Labcorp Genetics (formerly Invitae), Labcorp); PubMed 9536098 (cited by Labcorp Genetics (formerly Invitae), Labcorp).